The following is an entry in ClinVar:

NM_000059.4(BRCA2):c.8041A>C (p.Thr2681Pro)

Gene: BRCA2 (BRCA2 DNA repair associated; plus strand). Cytogenetic location: 13q13.1.
Variant type: single nucleotide variant.
Coding change: c.8041A>C on transcript NM_000059.4 (MANE Select); coding-DNA position 8041, A replaced by C.
Protein change: p.Thr2681Pro; replaces threonine 2681 with proline.
Molecular consequence: missense variant. On other transcripts: non-coding transcript variant (1).
Genome position (GRCh38, 1-based): chr13:32,363,243, A>C. VCF-style: chr13-32363243-A-C. GRCh37 (hg19) VCF-style: chr13-32937380-A-C.
Other names: c.7945A>C, p.Thr2649Pro (NM_001406719.1); c.8041A>C, p.Thr2681Pro (NM_001406720.1); c.3109A>C, p.Thr1037Pro (NM_001406721.1); c.1624A>C, p.Thr542Pro (NM_001406722.1); short protein forms T1037P, T2649P, T2681P, T542P.
Identifiers: ClinVar variation 3229091 (VCV003229091.4), dbSNP rs2137580189, ClinGen allele CA387749012.

ClinVar aggregate classification (germline): Conflicting classifications of pathogenicity. Review status: criteria provided, conflicting classifications (1 of 4 stars). 2 submissions from 2 submitters: Uncertain significance (1); Likely benign (1). Last evaluated 2025-05-19.

Conditions:
Hereditary breast ovarian cancer syndrome. Also called: Hereditary breast and ovarian cancer syndrome (HBOC); Breast and ovarian cancer; Hereditary breast and/or ovarian cancer syndrome; BRCA1- and BRCA2-Associated Hereditary Breast and Ovarian Cancer; Hereditary breast and ovarian cancer syndrome; Hereditary breast and ovarian cancer. Identifiers: Orphanet 145, MedGen C0677776, MeSH D061325, MONDO:0003582. Disease mechanism: loss of function.
Hereditary cancer-predisposing syndrome. Also called: Neoplastic Syndromes, Hereditary; Tumor predisposition; Hereditary neoplastic syndrome; Hereditary Cancer Syndrome. Identifiers: Orphanet 140162, MedGen C0027672, MeSH D009386, MONDO:0015356.

Submissions (2):

Ambry Genetics
Classification: Likely benign for Hereditary cancer-predisposing syndrome. Last evaluated: 2025-05-19. Review status: criteria provided, single submitter. Criteria: Ambry Variant Classification Scheme 2023. Collection method: clinical testing. Allele origin: germline.

Labcorp Genetics (formerly Invitae), Labcorp
Classification: Uncertain significance for Hereditary breast ovarian cancer syndrome. Last evaluated: 2024-11-04. Review status: criteria provided, single submitter. Criteria: Invitae Variant Classification Sherloc (09022015). Collection method: clinical testing. Allele origin: germline.
Comment: This sequence change replaces threonine, which is neutral and polar, with proline, which is neutral and non-polar, at codon 2681 of the BRCA2 protein (p.Thr2681Pro). This variant is not present in population databases (gnomAD no frequency). This variant has not been reported in the literature in individuals affected with BRCA2-related conditions. ClinVar contains an entry for this variant (Variation ID: 3229091). Invitae Evidence Modeling of protein sequence and biophysical properties (such as structural, functional, and spatial information, amino acid conservation, physicochemical variation, residue mobility, and thermodynamic stability) indicates that this missense variant is not expected to disrupt BRCA2 protein function with a negative predictive value of 95%. In summary, the available evidence is currently insufficient to determine the role of this variant in disease. Therefore, it has been classified as a Variant of Uncertain Significance.